The following is an entry in ClinVar:

NM_001170629.2(CHD8):c.5300T>C (p.Ile1767Thr)

Gene: CHD8 (chromodomain helicase DNA binding protein 8; minus strand). Cytogenetic location: 14q11.2.
Variant type: single nucleotide variant.
Coding change: c.5300T>C on transcript NM_001170629.2 (MANE Select); coding-DNA position 5300, T replaced by C.
Protein change: p.Ile1767Thr; replaces isoleucine 1767 with threonine.
Molecular consequence: missense variant.
Genome position (GRCh38, 1-based): chr14:21,395,002, A>G on the plus strand (T>C on the coding strand, the complement: CHD8 is on the minus strand). VCF-style: chr14-21395002-A-G. GRCh37 (hg19) VCF-style: chr14-21863161-A-G.
Other names: c.4463T>C, p.Ile1488Thr (NM_020920.4); short protein forms I1488T, I1767T.
Identifiers: ClinVar variation 1700305 (VCV001700305.3), dbSNP rs903333944, ClinGen allele CA257594632.
Genomic context (GRCh38, chr14:21,395,002, plus strand): 5'-TTCAGCTTGAAGGCTGCTTCACAACGCCGCCTTCGCCGGTCCCCACGTTCTGCAGCCTCT[A>G]TCTTCATTTGTTCTCTCTTGTAGCTGCGCTGATACGCTGTTACTAGACGCCGAAGCCTAG-3'
Protein context (NP_001164100.1, residues 1757-1777): QRSYKREQMK[Ile1767Thr]EAAERGDRRR

ClinVar aggregate classification (germline): Uncertain significance (1 of 4 stars; one submission).

Allele frequency attached by ClinVar (database versions not stated): gnomAD exomes below 0.00001; TOPMed below 0.00001.
gnomAD v4.1: 3 of 1,613,960 alleles (0.00019%); highest among the groups gnomAD compares: Non-Finnish European, 0.00025%; no homozygotes.

Submission:

GeneDx
Classification: Uncertain significance. Last evaluated: 2024-03-07. Review status: criteria provided, single submitter. Criteria: GeneDx Variant Classification Process June 2021. Collection method: clinical testing. Allele origin: germline. Affected: yes.
Comment: Not observed at significant frequency in large population cohorts (gnomAD); In silico analysis supports that this missense variant does not alter protein structure/function; Has not been previously published as pathogenic or benign to our knowledge